The following is an entry in ClinVar:

ClinVar aggregate classification (germline): Likely benign (1 of 4 stars; one submission).

Conditions:
Breast-ovarian cancer, familial, susceptibility to, 1 (BROVCA1). Also called: BRCA1 Hereditary Breast and Ovarian Cancer; OVARIAN CANCER, SUSCEPTIBILITY TO. Identifiers: Orphanet 145, MedGen C2676676, MONDO:0011450, OMIM 604370. Disease mechanism: loss of function.

Submissions (2):

Molecular Pathology, Peter Maccallum Cancer Centre
Classification: Likely benign for Breast-ovarian cancer, familial, susceptibility to, 1. Last evaluated: 2024-06-19. Review status: criteria provided, single submitter. Criteria: ACMG Guidelines, 2015. Collection method: clinical testing. Allele origin: germline. Inheritance: Autosomal dominant inheritance.

Brotman Baty Institute, University of Washington
No classification provided (evidence only). Condition: Breast-ovarian cancer, familial 1. Review status: no classification provided. Collection method: in vitro. Allele origin: not applicable. Functional consequence: functionally_normal. Not counted in ClinVar's aggregate classification.
ClinVar note: "not provided" was previously submitted as the classification for the variant. However, the classification appeared to be based only on an observation of functional data so it was converted to no classification on 2025-07-30.

NM_007294.4(BRCA1):c.5152+10A>T

Gene: BRCA1 (BRCA1 DNA repair associated; minus strand). Cytogenetic location: 17q21.31.
Variant type: single nucleotide variant.
Coding change: c.5152+10A>T on transcript NM_007294.4 (MANE Select); 10 bases into the intron after coding-DNA position 5152, A replaced by T.
Molecular consequence: intron variant.
Genome position (GRCh38, 1-based): chr17:43,063,864, T>A on the plus strand (A>T on the coding strand, the complement: BRCA1 is on the minus strand). VCF-style: chr17-43063864-T-A. GRCh37 (hg19) VCF-style: chr17-41215881-T-A.
Other names: c.5026+10A>T (NM_001407678.1, NM_001407673.1, NM_001407674.1 and 10 more transcripts); c.5029+10A>T (NM_001407666.1, NM_001407919.1, NM_001407937.1 and 6 more transcripts); c.1726+10A>T (NM_001408418.1, NM_001408420.1, NM_001408419.1); c.1840+10A>T (NM_001407981.1, NM_007298.4, NM_001407986.1 and 12 more transcripts); c.1843+10A>T (NM_001407978.1, NM_001407977.1, NM_001407976.1 and 3 more transcripts); c.5146+10A>T (NM_001407639.1, NM_001407630.1, NM_001407633.1 and 14 more transcripts); c.5149+10A>T (NM_001407859.1, NM_001407620.1, NM_001407623.1 and 17 more transcripts); c.5152+10A>T (NM_001407597.1, NM_001407605.1, NM_001407684.1 and 7 more transcripts); and 73 more.
Identifiers: ClinVar variation 865038 (VCV000865038.4), dbSNP rs80358114, ClinGen allele CA916080117.
Genomic context (GRCh38, chr17:43,063,864, plus strand): 5'-TAAACGTTAGGTGTAAAAATGCAATTCTGAGGTGTTAAAGGGAGGAGGGGAGAAATAGTA[T>A]TATACTTACAGAAATAGCTAACTACCCATTTTCCTCCCGCAATTCCTAGAAAATATTTCA-3'